The following is an entry in ClinVar:

ClinVar aggregate classification (germline): Uncertain significance (1 of 4 stars; one submission).

Conditions:
Cardiovascular phenotype. Identifiers: MedGen CN230736.

Submission:

Ambry Genetics
Classification: Uncertain significance for Cardiovascular phenotype. Last evaluated: 2025-09-25. Review status: criteria provided, single submitter. Criteria: Ambry Variant Classification Scheme 2023. Collection method: clinical testing. Allele origin: germline.
Comment: The p.K1107E variant (also known as c.3319A>G), located in coding exon 30 of the MYBPC3 gene, results from an A to G substitution at nucleotide position 3319. The lysine at codon 1107 is replaced by glutamic acid, an amino acid with similar properties. This amino acid position is conserved. In addition, the in silico prediction for this alteration is inconclusive. Based on the available evidence, the clinical significance of this variant remains unclear.

NM_000256.3(MYBPC3):c.3319A>G (p.Lys1107Glu)

Gene: MYBPC3 (myosin binding protein C3; minus strand). Cytogenetic location: 11p11.2.
Variant type: single nucleotide variant.
Coding change: c.3319A>G on transcript NM_000256.3 (MANE Select); coding-DNA position 3319, A replaced by G.
Protein change: p.Lys1107Glu; replaces lysine 1107 with glutamic acid.
Molecular consequence: missense variant.
Genome position (GRCh38, 1-based): chr11:47,333,205, T>C on the plus strand (A>G on the coding strand, the complement: MYBPC3 is on the minus strand). VCF-style: chr11-47333205-T-C. GRCh37 (hg19) VCF-style: chr11-47354756-T-C.
Other names: short protein forms K1107E.
Identifiers: ClinVar variation 4614578 (VCV004614578.1).